The following is an entry in ClinVar:

NC_000005.9:g.(?_89992734)_(90125023_?)del

Gene: ADGRV1 (adhesion G protein-coupled receptor V1; plus strand). Cytogenetic location: 5q14.3.
Variant type: Deletion.
Identifiers: ClinVar variation 1427760 (VCV001427760.5).

ClinVar aggregate classification (germline): Pathogenic (1 of 4 stars; one submission).

Submission:

Labcorp Genetics (formerly Invitae), Labcorp
Classification: Pathogenic. Last evaluated: 2023-07-21. Review status: criteria provided, single submitter. Criteria: Invitae Variant Classification Sherloc (09022015). Collection method: clinical testing. Allele origin: germline.
Comment: For these reasons, this variant has been classified as Pathogenic. This variant has not been reported in the literature in individuals affected with ADGRV1-related conditions. This variant is a gross deletion of the genomic region encompassing exon(s) 34-77 of the ADGRV1 gene. This deletion is out-of-frame, and is expected to create a premature termination codon and result in an absent or disrupted protein product. Loss-of-function variants in ADGRV1 are known to be pathogenic (PMID: 19357117, 22135276, 22147658, 26226137, 30718709, 31047384, 32467589).

Literature cited by the submitters: PubMed 19357117; PubMed 22135276; PubMed 22147658; PubMed 26226137; PubMed 30718709; PubMed 31047384; PubMed 32467589.